The following is an entry in ClinVar:

ClinVar aggregate classification (germline): Pathogenic/Likely pathogenic. Review status: criteria provided, multiple submitters, no conflicts (2 of 4 stars). 3 submissions from 3 submitters: Pathogenic (1); Likely pathogenic (2). Last evaluated 2026-03-05.

Conditions:
Neurodevelopmental disorder with dysmorphic facies and variable seizures (NEDDFAS). Also called: EMC10-Related Neurodevelopmental Disorder. Identifiers: MedGen C5543268, MONDO:0031011, OMIM 619264.

gnomAD v4.1: 31 of 1,597,620 alleles (0.0019%); highest among the groups gnomAD compares: African/African-American, 0.0082%; no homozygotes.

Submissions (3):

GeneDx
Classification: Pathogenic. Last evaluated: 2026-03-05. Review status: criteria provided, single submitter. Criteria: GeneDx Variant Classification Process June 2021. Collection method: clinical testing. Allele origin: germline.
Comment: Nonsense variant predicted to result in protein truncation or nonsense mediated decay in a gene for which loss of function is a known mechanism of disease; Has not been previously published as pathogenic or benign to our knowledge

Dasa
Classification: Likely pathogenic for Neurodevelopmental disorder with dysmorphic facies and variable seizures. Last evaluated: 2025-10-24. Review status: criteria provided, single submitter. Criteria: DASA Assertion Criteria. Collection method: clinical testing. Allele origin: germline.
Comment: NM_206538.4(EMC10):c.130C>T (p.Arg44*) is a nonsense variant in EMC10 predicted to introduce a premature termination codon and is predicted to result in an absent or altered protein product. Loss of function is an established disease mechanism for EMC10-associated disorders. Also, this variant is rare in population databases. Based on the currently available evidence, this variant is classified as likely pathogenic.

3billion
Classification: Likely pathogenic for Neurodevelopmental disorder with dysmorphic facies and variable seizures. Last evaluated: 2025-02-04. Review status: criteria provided, single submitter. Criteria: ACMG Guidelines, 2015. Collection method: clinical testing. Allele origin: germline. Affected: yes.
Comment: The variant is observed at an extremely low frequency in the gnomAD v4.1.0 dataset (total allele frequency: 0.002%). Predicted Consequence/Location: Stop-gained (nonsense): predicted to result in a loss or disruption of normal protein function through nonsense-mediated decay (NMD) or protein truncation. Multiple pathogenic variants are reported downstream of the variant. Therefore, this variant is classified as Likely pathogenic according to the recommendation of ACMG/AMP guideline.

NM_206538.4(EMC10):c.130C>T (p.Arg44Ter)

Gene: EMC10 (ER membrane protein complex subunit 10; plus strand). Cytogenetic location: 19q13.33.
Variant type: single nucleotide variant.
Coding change: c.130C>T on transcript NM_206538.4 (MANE Select); coding-DNA position 130, C replaced by T.
Protein change: p.Arg44Ter; replaces arginine 44 with a stop codon.
Molecular consequence: nonsense.
Genome position (GRCh38, 1-based): chr19:50,477,944, C>T. VCF-style: chr19-50477944-C-T. GRCh37 (hg19) VCF-style: chr19-50981201-C-T.
Other names: c.130C>T, p.Arg44Ter (NM_175063.6); c.130C>T (NM_175063.5); short protein forms R44*.
Identifiers: ClinVar variation 4292635 (VCV004292635.4).